The following is an entry in ClinVar:

ClinVar aggregate classification (germline): Uncertain significance (1 of 4 stars; one submission).

Submission:

Labcorp Genetics (formerly Invitae), Labcorp
Classification: Uncertain significance. Last evaluated: 2024-07-23. Review status: criteria provided, single submitter. Criteria: Invitae Variant Classification Sherloc (09022015). Collection method: clinical testing. Allele origin: germline.
Comment: This sequence change creates a premature translational stop signal (p.Gln366*) in the RFWD3 gene. It is expected to result in an absent or disrupted protein product. However, the current clinical and genetic evidence is not sufficient to establish whether loss-of-function variants in RFWD3 cause disease. This variant is not present in population databases (gnomAD no frequency). This variant has not been reported in the literature in individuals affected with RFWD3-related conditions. Algorithms developed to predict the effect of sequence changes on RNA splicing suggest that this variant may disrupt the consensus splice site. In summary, the available evidence is currently insufficient to determine the role of this variant in disease. Therefore, it has been classified as a Variant of Uncertain Significance.

NM_018124.4(RFWD3):c.1096C>T (p.Gln366Ter)

Gene: RFWD3 (ring finger and WD repeat domain 3; minus strand). Cytogenetic location: 16q23.1.
Variant type: single nucleotide variant.
Coding change: c.1096C>T on transcript NM_018124.4 (MANE Select); coding-DNA position 1096, C replaced by T.
Protein change: p.Gln366Ter; replaces glutamine 366 with a stop codon.
Molecular consequence: nonsense.
Genome position (GRCh38, 1-based): chr16:74,637,954, G>A on the plus strand (C>T on the coding strand, the complement: RFWD3 is on the minus strand). VCF-style: chr16-74637954-G-A. GRCh37 (hg19) VCF-style: chr16-74671852-G-A.
Other names: c.1096C>T, p.Gln366Ter (NM_001370534.1, NM_001370535.1, NM_001370536.1); c.262C>T, p.Gln88Ter (NM_001370537.1, NM_001370539.1, NM_001370540.1 and 2 more transcripts); short protein forms Q366*, Q88*.
Identifiers: ClinVar variation 3660352 (VCV003660352.2).